The following is an entry in ClinVar:

ClinVar aggregate classification (germline): Uncertain significance (1 of 4 stars; one submission).

Allele frequency attached by ClinVar (database versions not stated): gnomAD exomes below 0.00001.
gnomAD v4.1: 1 of 1,540,140 alleles (0.000065%); highest among the groups gnomAD compares: Admixed American, 0.0017%; no homozygotes.

Submission:

Women's Health and Genetics/Laboratory Corporation of America, LabCorp
Classification: Uncertain significance. Last evaluated: 2024-04-10. Review status: criteria provided, single submitter. Criteria: LabCorp Variant Classification Summary - May 2015. Collection method: clinical testing. Allele origin: germline.
Comment: Variant summary: RYR2 c.14808G>A (p.Gln4936Gln) alters a conserved nucleotide located close to a canonical splice site and therefore could affect mRNA splicing, leading to a significantly altered protein sequence. Several computational tools predict a significant impact on normal splicing: Three predict the variant weakens a 5' splicing donor site, while one predicts the variant abolishes a 5' splicing donor site. However, these predictions have yet to be confirmed by functional studies. The variant allele was found at a frequency of 4.2e-06 in 237574 control chromosomes. The available data on variant occurrences in the general population are insufficient to allow any conclusion about variant significance. To our knowledge, no occurrence of c.14808G>A in individuals affected with RYR2-related conditions and no experimental evidence demonstrating its impact on protein function have been reported. No submitters have cited clinical-significance assessments for this variant to ClinVar. Based on the evidence outlined above, the variant was classified as uncertain significance.

NM_001035.3(RYR2):c.14808G>A (p.Gln4936=)

Gene: RYR2 (ryanodine receptor 2; plus strand). Cytogenetic location: 1q43.
Variant type: single nucleotide variant.
Coding change: c.14808G>A on transcript NM_001035.3 (MANE Select); coding-DNA position 14808, G replaced by A.
Protein change: p.Gln4936=; no amino-acid change (glutamine 4936 retained).
Molecular consequence: synonymous variant.
Genome position (GRCh38, 1-based): chr1:237,831,565, G>A. VCF-style: chr1-237831565-G-A. GRCh37 (hg19) VCF-style: chr1-237994865-G-A.
Identifiers: ClinVar variation 3251371 (VCV003251371.1), dbSNP rs1165521121.